The following is an entry in ClinVar:

NM_024675.4(PALB2):c.2100A>T (p.Ser700=)

Gene: PALB2 (partner and localizer of BRCA2; minus strand). Cytogenetic location: 16p12.2.
Variant type: single nucleotide variant.
Coding change: c.2100A>T on transcript NM_024675.4 (MANE Select); coding-DNA position 2100, A replaced by T.
Protein change: p.Ser700=; no amino-acid change (serine 700 retained).
Molecular consequence: synonymous variant.
Genome position (GRCh38, 1-based): chr16:23,630,054, T>A on the plus strand (A>T on the coding strand, the complement: PALB2 is on the minus strand). VCF-style: chr16-23630054-T-A. GRCh37 (hg19) VCF-style: chr16-23641375-T-A.
Identifiers: ClinVar variation 184830 (VCV000184830.30), dbSNP rs757145884, ClinGen allele CA190176.
Genomic context (GRCh38, chr16:23,630,054, plus strand): 5'-GGTAGGCCTGTCATTATCATCAGGCGCAACCGTATTTAAAGGAGTATAAAGTAATATGGA[T>A]GAAGAAAGGCCCGTCTTTGTATGCTGGCTTTGCGAGTTTGGCCTTTTGGGATGTGATTTT-3'
Protein context (NP_078951.2, residues 690-710): QSQHTKTGLS[Ser700=]SILLYTPLNT

ClinVar aggregate classification (germline): Conflicting classifications of pathogenicity. Review status: criteria provided, conflicting classifications (1 of 4 stars). 11 submissions from 11 submitters: Uncertain significance (1); Benign (2); Likely benign (6). 2 of the submissions do not count toward it. Last evaluated 2025-12-09.

Conditions:
PALB2-related disorder. Also called: PALB2-related condition; PALB2-related disorders.
Hereditary cancer-predisposing syndrome. Also called: Tumor predisposition; Neoplastic Syndromes, Hereditary; Hereditary neoplastic syndrome; Hereditary Cancer Syndrome. Identifiers: Orphanet 140162, MedGen C0027672, MeSH D009386, MONDO:0015356.
Familial cancer of breast. Also called: BREAST CANCER, FAMILIAL; hereditary breast carcinoma; Hereditary breast cancer. Identifiers: Orphanet 227535, MedGen C0346153, MONDO:0016419, OMIM 114480. Disease mechanism: loss of function.
Fanconi anemia complementation group N. Also called: PALB2-Related Fanconi Anemia. Identifiers: Orphanet 84, MedGen C1835817, MONDO:0012565, OMIM 610832. Disease mechanism: loss of function.

Allele frequency attached by ClinVar (database versions not stated): ExAC 0.00003; gnomAD exomes 0.00003; gnomAD 0.00006 and 0.00007; TOPMed 0.00006.
gnomAD v4.1: 98 of 1,614,020 alleles (0.0061%); highest among the groups gnomAD compares: Non-Finnish European, 0.0075%; no homozygotes.

Submissions (11):

Labcorp Genetics (formerly Invitae), Labcorp
Classification: Likely benign for Familial cancer of breast. Last evaluated: 2025-12-09. Review status: criteria provided, single submitter. Criteria: Invitae Variant Classification Sherloc (09022015). Collection method: clinical testing. Allele origin: germline.

Myriad Genetics, Inc.
Classification: Benign for Familial cancer of breast. Last evaluated: 2025-01-15. Review status: criteria provided, single submitter. Criteria: Myriad Autosomal Dominant, Autosomal Recessive and X-Linked Classification Criteria (2023). Collection method: clinical testing. Allele origin: unknown.
Comment: This variant is considered benign. This variant is a silent/synonymous amino acid change and it is not expected to impact splicing.

Blueprint Genetics
Classification: Likely benign. Last evaluated: 2024-03-13. Review status: criteria provided, single submitter. Criteria: ACMG Guidelines, 2015. Collection method: clinical testing. Allele origin: germline.

Quest Diagnostics Nichols Institute San Juan Capistrano
Classification: Likely benign. Last evaluated: 2023-08-30. Review status: criteria provided, single submitter. Criteria: Quest Diagnostics criteria. Collection method: clinical testing. Allele origin: unknown.

Women's Health and Genetics/Laboratory Corporation of America, LabCorp
Classification: Likely benign. Last evaluated: 2019-08-29. Review status: criteria provided, single submitter. Criteria: LabCorp Variant Classification Summary - May 2015. Collection method: clinical testing. Allele origin: germline.

Illumina Laboratory Services, Illumina
Classification: Uncertain significance for Fanconi anemia complementation group N. Last evaluated: 2018-01-12. Review status: criteria provided, single submitter. Criteria: ICSL Variant Classification Criteria 13 December 2019. Collection method: clinical testing. Allele origin: germline.

Color Diagnostics, LLC DBA Color Health
Classification: Likely benign for Hereditary cancer-predisposing syndrome. Last evaluated: 2016-03-23. Review status: criteria provided, single submitter. Criteria: ACMG Guidelines, 2015. Collection method: clinical testing. Allele origin: germline.

Ambry Genetics
Classification: Likely benign for Hereditary cancer-predisposing syndrome. Last evaluated: 2015-05-17. Review status: criteria provided, single submitter. Criteria: Ambry Variant Classification Scheme 2023. Collection method: clinical testing. Allele origin: germline.

GeneDx
Classification: Benign. Last evaluated: 2015-05-08. Review status: criteria provided, single submitter. Criteria: GeneDx Variant Classification (06012015). Collection method: clinical testing. Allele origin: germline. Affected: yes.
Comment: This variant is considered likely benign or benign based on one or more of the following criteria: it is a conservative change, it occurs at a poorly conserved position in the protein, it is predicted to be benign by multiple in silico algorithms, and/or has population frequency not consistent with disease.

PreventionGenetics, part of Exact Sciences
Classification: Likely benign for PALB2-related condition. Last evaluated: 2021-02-04. Review status: no assertion criteria provided. Collection method: clinical testing. Allele origin: germline. Not counted in ClinVar's aggregate classification.
Comment: This variant is classified as likely benign based on ACMG/AMP sequence variant interpretation guidelines (Richards et al. 2015 PMID: 25741868, with internal and published modifications).

Department of Pathology and Laboratory Medicine, Sinai Health System
Classification: Likely benign. Review status: no assertion criteria provided. Collection method: clinical testing. Allele origin: unknown. Affected: yes. Observed: 2 variant alleles. Study: The Canadian Open Genetics Repository (COGR). Not counted in ClinVar's aggregate classification.
Comment: The PALB2 p.Ser700Ser variant was not identified in the literature nor was it identified in the Cosmic, MutDB, LOVD 3.0, Zhejiang Colon Cancer Database, databases. The variant was identified in ClinVar (classified likely benign by Ambry Genetics and Invitae, and uncertain significance by Illumina), and in control databases in 11 of 277230 chromosomes at a frequency of 0.00004 in the following populations: European (Non-Finnish) in 10 of 126718 chromosomes (freq. 0.00008), African in 1of 24030 chromosomes (freq. 0.00004) but was not seen in Ashkenazi Jewish, East Asian, European (Finnish), Latino, South Asian, Latino and other populations, increasing the likelihood that this may be a low frequency benign variant in certain populations of origin (Genome Aggregation Consortium Feb 27, 2017). The p.Ser700Ser variant is not expected to have clinical significance because it does not result in a change of amino acid and is not located in a known consensus splice site. In addition, in silico or computational prediction software programs (SpliceSiteFinder, MaxEntScan, NNSPLICE, GeneSplicer, HumanSpliceFinder) do not predict a difference in splicing. In summary, based on the above information, the clinical significance of this variant cannot be determined with certainty at this time although we would lean towards a more benign role for this variant. This variant is classified as likely benign.